The following is an entry in ClinVar:

NM_000548.5(TSC2):c.4406C>T (p.Ser1469Leu)

Gene: TSC2 (TSC complex subunit 2; plus strand). Cytogenetic location: 16p13.3.
Variant type: single nucleotide variant.
Coding change: c.4406C>T on transcript NM_000548.5 (MANE Select); coding-DNA position 4406, C replaced by T.
Protein change: p.Ser1469Leu; replaces serine 1469 with leucine.
Molecular consequence: missense variant. On other transcripts: non-coding transcript variant (5).
Genome position (GRCh38, 1-based): chr16:2,084,628, C>T. VCF-style: chr16-2084628-C-T. GRCh37 (hg19) VCF-style: chr16-2134629-C-T.
Other names: c.4205C>T, p.Ser1402Leu (NM_001077183.3); c.4337C>T, p.Ser1446Leu (NM_001114382.3); c.4097C>T, p.Ser1366Leu (NM_001318827.2); c.4061C>T, p.Ser1354Leu (NM_001318829.2); c.3674C>T, p.Ser1225Leu (NM_001318831.2); c.4238C>T, p.Ser1413Leu (NM_001318832.2); c.4208C>T, p.Ser1403Leu (NM_001363528.2); c.4274C>T, p.Ser1425Leu (NM_001370404.1); and 26 more; short protein forms S1246L, S1249L, S1353L, S1383L, S1396L, S1399L, S1402L, S1426L.
Identifiers: ClinVar variation 4557656 (VCV004557656.1).

ClinVar aggregate classification (germline): Uncertain significance (1 of 4 stars; one submission).

Conditions:
Hereditary cancer-predisposing syndrome. Also called: Tumor predisposition; Hereditary Cancer Syndrome; Hereditary neoplastic syndrome; Neoplastic Syndromes, Hereditary. Identifiers: Orphanet 140162, MedGen C0027672, MeSH D009386, MONDO:0015356.

Submission:

Ambry Genetics
Classification: Uncertain significance for Hereditary cancer-predisposing syndrome. Last evaluated: 2025-12-07. Review status: criteria provided, single submitter. Criteria: Ambry Variant Classification Scheme 2023. Collection method: clinical testing. Allele origin: germline.
Comment: The p.S1469L variant (also known as c.4406C>T), located in coding exon 33 of the TSC2 gene, results from a C to T substitution at nucleotide position 4406. The serine at codon 1469 is replaced by leucine, an amino acid with dissimilar properties. This amino acid position is conserved. In addition, the in silico prediction for this alteration is inconclusive. Based on the available evidence, the clinical significance of this variant remains unclear.